The following is an entry in ClinVar:

ClinVar aggregate classification (germline): Likely benign. Review status: criteria provided, multiple submitters, no conflicts (2 of 4 stars). 2 submissions from 2 submitters: Likely benign (2). Last evaluated 2026-08-01.

Allele frequency attached by ClinVar (database versions not stated): gnomAD exomes below 0.00001.
gnomAD v4.1: 1 of 1,614,152 alleles (0.000062%); highest among the groups gnomAD compares: Admixed American, 0.0017%; no homozygotes.

Submissions (2):

CeGaT Center for Human Genetics Tuebingen
Classification: Likely benign. Last evaluated: 2026-08-01. Review status: criteria provided, single submitter. Criteria: CeGaT Center For Human Genetics Tuebingen Variant Classification Criteria Version 2. Collection method: clinical testing. Allele origin: germline. Affected: yes. Observed: 1 variant allele.
Comment: USH2A: BP4, BP7

Labcorp Genetics (formerly Invitae), Labcorp
Classification: Likely benign. Last evaluated: 2025-11-22. Review status: criteria provided, single submitter. Criteria: Invitae Variant Classification Sherloc (09022015). Collection method: clinical testing. Allele origin: germline.

NM_206933.4(USH2A):c.8103G>A (p.Leu2701=)

Gene: USH2A (usherin; minus strand). Cytogenetic location: 1q41.
Variant type: single nucleotide variant.
Coding change: c.8103G>A on transcript NM_206933.4 (MANE Select); coding-DNA position 8103, G replaced by A.
Protein change: p.Leu2701=; no amino-acid change (leucine 2701 retained).
Molecular consequence: synonymous variant.
Genome position (GRCh38, 1-based): chr1:215,888,546, C>T on the plus strand (G>A on the coding strand, the complement: USH2A is on the minus strand). VCF-style: chr1-215888546-C-T. GRCh37 (hg19) VCF-style: chr1-216061888-C-T.
Identifiers: ClinVar variation 1092945 (VCV001092945.10), dbSNP rs1184939294, ClinGen allele CA423430518.
Genomic context (GRCh38, chr1:215,888,546, plus strand): 5'-GGGTCTTGTGGTAACTTCTACCCAAGCACTGCTGTTTGTGCCTCCATGAAGAGTGCTCAT[C>T]AGTACCCGATATTCATATTTTGTCCATGGGCTAAGAGCAGAAGTCTTGTCAATAAACCTC-3'
Protein context (NP_996816.3, residues 2691-2711): SPWTKYEYRV[Leu2701=]MSTLHGGTNS